The following is an entry in ClinVar:

NM_004415.4(DSP):c.518C>G (p.Thr173Ser)

Gene: DSP (desmoplakin; plus strand). Cytogenetic location: 6p24.3.
Variant type: single nucleotide variant.
Coding change: c.518C>G on transcript NM_004415.4 (MANE Select); coding-DNA position 518, C replaced by G.
Protein change: p.Thr173Ser; replaces threonine 173 with serine.
Molecular consequence: missense variant.
Genome position (GRCh38, 1-based): chr6:7,559,321, C>G. VCF-style: chr6-7559321-C-G. GRCh37 (hg19) VCF-style: chr6-7559554-C-G.
Other names: c.518C>G, p.Thr173Ser (NM_001008844.3, NM_001319034.2, NM_001406591.1); short protein forms T173S.
Identifiers: ClinVar variation 3273901 (VCV003273901.1).

ClinVar aggregate classification (germline): Uncertain significance (1 of 4 stars; one submission).

Conditions:
Cardiovascular phenotype. Identifiers: MedGen CN230736.

Submission:

Ambry Genetics
Classification: Uncertain significance for Cardiovascular phenotype. Last evaluated: 2024-05-21. Review status: criteria provided, single submitter. Criteria: Ambry Variant Classification Scheme 2023. Collection method: clinical testing. Allele origin: germline.
Comment: The p.T173S variant (also known as c.518C>G), located in coding exon 4 of the DSP gene, results from a C to G substitution at nucleotide position 518. The threonine at codon 173 is replaced by serine, an amino acid with similar properties. This amino acid position is conserved. In addition, this alteration is predicted to be tolerated by in silico analysis. Based on the available evidence, the clinical significance of this variant remains unclear.